The following is an entry in ClinVar:

NM_004304.5(ALK):c.472C>A (p.Pro158Thr)

Gene: ALK (ALK receptor tyrosine kinase; minus strand). Cytogenetic location: 2p23.1.
Variant type: single nucleotide variant.
Coding change: c.472C>A on transcript NM_004304.5 (MANE Select); coding-DNA position 472, C replaced by A.
Protein change: p.Pro158Thr; replaces proline 158 with threonine.
Molecular consequence: missense variant.
Genome position (GRCh38, 1-based): chr2:29,920,188, G>T on the plus strand (C>A on the coding strand, the complement: ALK is on the minus strand). VCF-style: chr2-29920188-G-T. GRCh37 (hg19) VCF-style: chr2-30143054-G-T.
Other names: short protein forms P158T.
Identifiers: ClinVar variation 239843 (VCV000239843.12), dbSNP rs536284304, ClinGen allele CA1594960.

ClinVar aggregate classification (germline): Conflicting classifications of pathogenicity. Review status: criteria provided, conflicting classifications (1 of 4 stars). 3 submissions from 3 submitters: Uncertain significance (2); Benign (1). Last evaluated 2026-01-02.

Conditions:
Hereditary cancer-predisposing syndrome. Also called: Neoplastic Syndromes, Hereditary; Tumor predisposition; Hereditary neoplastic syndrome; Hereditary Cancer Syndrome. Identifiers: Orphanet 140162, MedGen C0027672, MeSH D009386, MONDO:0015356.
Neuroblastoma, susceptibility to, 3. Also called: ALK-Related Neuroblastic Tumor Susceptibility. Identifiers: Orphanet 635, MedGen C2751681, MONDO:0013083, OMIM 613014.

Allele frequency attached by ClinVar (database versions not stated): gnomAD 0.00001; TOPMed 0.00005; 1000 Genomes Project 30x 0.00016; 1000 Genomes Project 0.00020.
gnomAD v4.1: 29 of 1,613,520 alleles (0.0018%); highest among the groups gnomAD compares: East Asian, 0.062%; 1 homozygote.

Submissions (3):

Labcorp Genetics (formerly Invitae), Labcorp
Classification: Uncertain significance for Neuroblastoma, susceptibility to, 3. Last evaluated: 2026-01-02. Review status: criteria provided, single submitter. Criteria: Invitae Variant Classification Sherloc (09022015). Collection method: clinical testing. Allele origin: germline.
Comment: This sequence change replaces proline, which is neutral and non-polar, with threonine, which is neutral and polar, at codon 158 of the ALK protein (p.Pro158Thr). This variant is present in population databases (rs536284304, gnomAD 0.04%). This variant has not been reported in the literature in individuals affected with ALK-related conditions. ClinVar contains an entry for this variant (Variation ID: 239843). An algorithm developed to predict the effect of missense changes on protein structure and function (PolyPhen-2) suggests that this variant is likely to be disruptive. In summary, the available evidence is currently insufficient to determine the role of this variant in disease. Therefore, it has been classified as a Variant of Uncertain Significance.

Ambry Genetics
Classification: Benign for Hereditary cancer-predisposing syndrome. Last evaluated: 2024-06-26. Review status: criteria provided, single submitter. Criteria: Ambry Variant Classification Scheme 2023. Collection method: clinical testing. Allele origin: germline.

Baylor Genetics
Classification: Uncertain significance for Neuroblastoma, susceptibility to, 3. Last evaluated: 2024-02-09. Review status: criteria provided, single submitter. Criteria: ACMG Guidelines, 2015. Collection method: clinical testing. Allele origin: unknown.